The following is an entry in ClinVar:

NM_012199.5(AGO1):c.1160A>T (p.Asn387Ile)

Gene: AGO1 (argonaute RISC component 1; plus strand). Cytogenetic location: 1p34.3.
Variant type: single nucleotide variant.
Coding change: c.1160A>T on transcript NM_012199.5 (MANE Select); coding-DNA position 1160, A replaced by T.
Protein change: p.Asn387Ile; replaces asparagine 387 with isoleucine.
Molecular consequence: missense variant.
Genome position (GRCh38, 1-based): chr1:35,901,967, A>T. VCF-style: chr1-35901967-A-T. GRCh37 (hg19) VCF-style: chr1-36367568-A-T.
Other names: c.1160A>T, p.Asn387Ile (NM_001317122.2); c.935A>T, p.Asn312Ile (NM_001317123.2); short protein forms N312I, N387I.
Identifiers: ClinVar variation 1311088 (VCV001311088.2), dbSNP rs2148715578, ClinGen allele CA339376039.

ClinVar aggregate classification (germline): Uncertain significance (1 of 4 stars; one submission).

Submission:

GeneDx
Classification: Uncertain significance. Last evaluated: 2019-12-10. Review status: criteria provided, single submitter. Criteria: GeneDx Variant Classification Process June 2021. Collection method: clinical testing. Allele origin: germline. Affected: yes.
Comment: Not observed in large population cohorts (Lek et al., 2016); In silico analysis, which includes protein predictors and evolutionary conservation, supports a deleterious effect; Has not been previously published as pathogenic or benign to our knowledge